The following is an entry in ClinVar:

NM_025074.7(FRAS1):c.5366+13T>G

Gene: FRAS1 (Fraser extracellular matrix complex subunit 1; plus strand). Cytogenetic location: 4q21.21.
Variant type: single nucleotide variant.
Coding change: c.5366+13T>G on transcript NM_025074.7 (MANE Select); 13 bases into the intron after coding-DNA position 5366, T replaced by G.
Molecular consequence: intron variant.
Genome position (GRCh38, 1-based): chr4:78,438,731, T>G. VCF-style: chr4-78438731-T-G. GRCh37 (hg19) VCF-style: chr4-79359885-T-G.
Other names: c.5366+13T>G (NM_001166133.2).
Identifiers: ClinVar variation 197083 (VCV000197083.21), dbSNP rs2170899, ClinGen allele CA202688.
Genomic context (GRCh38, chr4:78,438,731, plus strand): 5'-AGAAGTTTCCAATTTCACAATGGAAGACATCAATAACAAGAAAATCAGGTACATAATCAC[T>G]TTGTATTATTTGACAGATTCTTAAAAACTTGTATGAAAATATTTCAGCAACTGGTTGTAG-3'

ClinVar aggregate classification (germline): Benign. Review status: criteria provided, multiple submitters, no conflicts (2 of 4 stars). 9 submissions from 9 submitters: Benign (7). 2 of the submissions do not count toward it. Last evaluated 2026-02-04.

Conditions:
Fraser syndrome 1 (FRASRS1). Also called: CRYPTOPHTHALMOS WITH OTHER MALFORMATIONS. Identifiers: Orphanet 2052, MedGen C4551480, MONDO:0054737, OMIM 219000.

Allele frequency attached by ClinVar (database versions not stated): 1000 Genomes Project 30x 0.27795; 1000 Genomes Project 0.28155; ESP Exome Variant Server 0.30019; TOPMed 0.30354; gnomAD 0.31001 and 0.31126; ExAC 0.39466.
gnomAD v4.1: 564,457 of 1,566,774 alleles (36%); highest among the groups gnomAD compares: Admixed American, 44%; 105,191 homozygotes.

Submissions (9):

Labcorp Genetics (formerly Invitae), Labcorp
Classification: Benign. Last evaluated: 2026-02-04. Review status: criteria provided, single submitter. Criteria: Invitae Variant Classification Sherloc (09022015). Collection method: clinical testing. Allele origin: germline.

Blueprint Genetics
Classification: Benign. Last evaluated: 2024-11-26. Review status: criteria provided, single submitter. Criteria: ACMG Guidelines, 2015. Collection method: clinical testing. Allele origin: germline.

Genome-Nilou Lab
Classification: Benign for Fraser syndrome 1. Last evaluated: 2021-08-10. Review status: criteria provided, single submitter. Criteria: ACMG Guidelines, 2015. Collection method: clinical testing. Allele origin: germline. Affected: no.

Illumina Laboratory Services, Illumina
Classification: Benign for Fraser syndrome 1. Last evaluated: 2018-01-13. Review status: criteria provided, single submitter. Criteria: ICSL Variant Classification Criteria 13 December 2019. Collection method: clinical testing. Allele origin: germline.
Comment: This variant was observed in the ICSL laboratory as part of a predisposition screen in an ostensibly healthy population. It had not been previously curated by ICSL or reported in the Human Gene Mutation Database (HGMD: prior to June 1st, 2018), and was therefore a candidate for classification through an automated scoring system. Utilizing variant allele frequency, disease prevalence and penetrance estimates, and inheritance mode, an automated score was calculated to assess if this variant is too frequent to cause the disease. Based on the score and internal cut-off values, a variant classified as benign is not then subjected to further curation. The score for this variant resulted in a classification of benign for this disease.

Eurofins Ntd Llc (ga)
Classification: Benign. Last evaluated: 2015-03-11. Review status: criteria provided, single submitter. Criteria: EGL Classification Definitions 2015. Collection method: clinical testing. Allele origin: germline. Observed: 59 variant alleles, 47 heterozygotes, 12 homozygotes.

Breakthrough Genomics
Classification: Benign. Review status: criteria provided, single submitter. Criteria: ACMG Guidelines, 2015. Collection method: not provided. Allele origin: germline. Inheritance: Autosomal recessive inheritance. Affected: yes.

PreventionGenetics, part of Exact Sciences
Classification: Benign. Review status: criteria provided, single submitter. Criteria: ACMG Guidelines, 2015. Collection method: clinical testing. Allele origin: germline.

Diagnostic Laboratory, Department of Genetics, University Medical Center Groningen
Classification: Benign for Fraser syndrome 1. Review status: no assertion criteria provided. Collection method: clinical testing. Allele origin: germline. Affected: yes. Study: VKGL Data-share Consensus. Not counted in ClinVar's aggregate classification.

Genome Diagnostics Laboratory, University Medical Center Utrecht
Classification: Benign. Review status: no assertion criteria provided. Collection method: clinical testing. Allele origin: germline. Affected: yes. Study: VKGL Data-share Consensus. Not counted in ClinVar's aggregate classification.